The following is an entry in ClinVar:

ClinVar aggregate classification (germline): Uncertain significance. Review status: criteria provided, multiple submitters, no conflicts (2 of 4 stars). 3 submissions from 3 submitters: Uncertain significance (3). Last evaluated 2025-04-22.

Conditions:
Supravalvar aortic stenosis (SVAS). Also called: Supravalvar aortic stenosis, Eisenberg type. Identifiers: Orphanet 3193, MedGen C0003499, MONDO:0008504, OMIM 185500, HP:0004381.

Allele frequency attached by ClinVar (database versions not stated): gnomAD exomes 0.00003 and 0.00006; ExAC 0.00008; gnomAD 0.00008; TOPMed 0.00010; ESP Exome Variant Server 0.00023.
gnomAD v4.1: 56 of 1,610,948 alleles (0.0035%); highest among the groups gnomAD compares: African/African-American, 0.016%; no homozygotes.

Submissions (3):

Labcorp Genetics (formerly Invitae), Labcorp
Classification: Uncertain significance for Supravalvar aortic stenosis. Last evaluated: 2025-04-22. Review status: criteria provided, single submitter. Criteria: Invitae Variant Classification Sherloc (09022015). Collection method: clinical testing. Allele origin: germline.
Comment: This sequence change replaces glycine, which is neutral and non-polar, with arginine, which is basic and polar, at codon 12 of the ELN protein (p.Gly12Arg). This variant is present in population databases (rs149127344, gnomAD 0.02%). This variant has not been reported in the literature in individuals affected with ELN-related conditions. ClinVar contains an entry for this variant (Variation ID: 228665). Invitae Evidence Modeling of protein sequence and biophysical properties (such as structural, functional, and spatial information, amino acid conservation, physicochemical variation, residue mobility, and thermodynamic stability) indicates that this missense variant is not expected to disrupt ELN protein function with a negative predictive value of 80%. In summary, the available evidence is currently insufficient to determine the role of this variant in disease. Therefore, it has been classified as a Variant of Uncertain Significance.

GeneDx
Classification: Uncertain significance. Last evaluated: 2024-01-04. Review status: criteria provided, single submitter. Criteria: GeneDx Variant Classification Process June 2021. Collection method: clinical testing. Allele origin: germline. Affected: yes.
Comment: In silico analysis supports that this missense variant has a deleterious effect on protein structure/function; Has not been previously published as pathogenic or benign to our knowledge

Laboratory for Molecular Medicine, Mass General Brigham Personalized Medicine
Classification: Uncertain significance. Last evaluated: 2016-01-14. Review status: criteria provided, single submitter. Criteria: LMM Criteria. Collection method: clinical testing. Allele origin: germline. Observed: 1 variant allele.
Comment: The p.Gly12Arg variant in ELN has not been previously reported in individuals wi th pulmonary disease, but has been identified in 5/57536 European chromosomes by the Exome Aggregation Consortium (ExAC; dbSNP r s149127344). Computational prediction tools and conservation analysis do not pro vide strong support for or against an impact to the protein. In summary, the cli nical significance of the p.Gly12Arg variant is uncertain.

NM_000501.4(ELN):c.34G>A (p.Gly12Arg)

Gene: ELN (elastin; plus strand). Cytogenetic location: 7q11.23.
Variant type: single nucleotide variant.
Coding change: c.34G>A on transcript NM_000501.4 (MANE Select); coding-DNA position 34, G replaced by A.
Protein change: p.Gly12Arg; replaces glycine 12 with arginine.
Molecular consequence: missense variant.
Genome position (GRCh38, 1-based): chr7:74,028,221, G>A. VCF-style: chr7-74028221-G-A. GRCh37 (hg19) VCF-style: chr7-73442551-G-A.
Other names: c.34G>A, p.Gly12Arg (NM_001278916.2, NM_001278917.2, NM_001278918.2 and 9 more transcripts); short protein forms G12R.
Identifiers: ClinVar variation 228665 (VCV000228665.12), dbSNP rs149127344, ClinGen allele CA4292221.
Genomic context (GRCh38, chr7:74,028,221, plus strand): 5'-GAGCGGGCTGGGGCATTTCTCCCCGAGATGGCGGGTCTGACGGCGGCGGCCCCGCGGCCC[G>A]GAGTCCTCCTGCTCCTGCTGTCCATCCTCCACCCCTCTCGGCCTGGAGGTAAGGACCCCT-3'
Protein context (NP_000492.2, residues 2-22): AGLTAAAPRP[Gly12Arg]VLLLLLSILH